The following is an entry in ClinVar:

NM_003265.3(TLR3):c.2167A>G (p.Ile723Val)

Gene: TLR3 (toll like receptor 3; plus strand). Cytogenetic location: 4q35.1.
Variant type: single nucleotide variant.
Coding change: c.2167A>G on transcript NM_003265.3 (MANE Select); coding-DNA position 2167, A replaced by G.
Protein change: p.Ile723Val; replaces isoleucine 723 with valine.
Molecular consequence: missense variant.
Genome position (GRCh38, 1-based): chr4:186,083,853, A>G. VCF-style: chr4-186083853-A-G. GRCh37 (hg19) VCF-style: chr4-187005007-A-G.
Other names: short protein forms I723V.
Identifiers: ClinVar variation 3630494 (VCV003630494.2).

ClinVar aggregate classification (germline): Uncertain significance (1 of 4 stars; one submission).

Conditions:
Encephalopathy, acute, infection-induced (herpes-specific), susceptibility to, 1. Also called: Herpes simplex encephalitis, susceptibility to, 1. Identifiers: Orphanet 1930, MedGen C2750180, MONDO:0024563, OMIM 610551.

gnomAD v4.1: 1 of 1,613,612 alleles (0.000062%); highest among the groups gnomAD compares: Non-Finnish European, 0.000085%; no homozygotes.

Submission:

Labcorp Genetics (formerly Invitae), Labcorp
Classification: Uncertain significance for Encephalopathy, acute, infection-induced (herpes-specific), susceptibility to, 1. Last evaluated: 2025-02-01. Review status: criteria provided, single submitter. Criteria: Invitae Variant Classification Sherloc (09022015). Collection method: clinical testing. Allele origin: germline.
Comment: This sequence change replaces isoleucine, which is neutral and non-polar, with valine, which is neutral and non-polar, at codon 723 of the TLR3 protein (p.Ile723Val). This variant is not present in population databases (gnomAD no frequency). This variant has not been reported in the literature in individuals affected with TLR3-related conditions. An algorithm developed to predict the effect of missense changes on protein structure and function outputs the following: PolyPhen-2: "Benign". The valine amino acid residue is found in multiple mammalian species, which suggests that this missense change does not adversely affect protein function. In summary, the available evidence is currently insufficient to determine the role of this variant in disease. Therefore, it has been classified as a Variant of Uncertain Significance.